The following is an entry in ClinVar:

ClinVar aggregate classification (germline): Likely benign. Review status: criteria provided, multiple submitters, no conflicts (2 of 4 stars). 2 submissions from 2 submitters: Likely benign (2). Last evaluated 2025-04-10.

Allele frequency attached by ClinVar (database versions not stated): ExAC 0.00002; gnomAD exomes 0.00002; gnomAD 0.00003; TOPMed 0.00007; ESP Exome Variant Server 0.00015.
gnomAD v4.1: 34 of 1,612,710 alleles (0.0021%); highest among the groups gnomAD compares: Admixed American, 0.005%; no homozygotes.

Submissions (2):

Labcorp Genetics (formerly Invitae), Labcorp
Classification: Likely benign. Last evaluated: 2025-04-10. Review status: criteria provided, single submitter. Criteria: Invitae Variant Classification Sherloc (09022015). Collection method: clinical testing. Allele origin: germline.

Women's Health and Genetics/Laboratory Corporation of America, LabCorp
Classification: Likely benign. Last evaluated: 2024-04-04. Review status: criteria provided, single submitter. Criteria: LabCorp Variant Classification Summary - May 2015. Collection method: clinical testing. Allele origin: germline.
Comment: Variant summary: BMP1 c.2133C>T alters a conserved nucleotide resulting in a synonymous change. Consensus agreement among computation tools predict no significant impact on normal splicing. However, these predictions have yet to be confirmed by functional studies. The variant allele was found at a frequency of 2.4e-05 in 247688 control chromosomes. The available data on variant occurrences in the general population are insufficient to allow any conclusion about variant significance. To our knowledge, no occurrence of c.2133C>T in individuals affected with Osteogenesis Imperfecta and no experimental evidence demonstrating its impact on protein function have been reported. ClinVar contains an entry for this variant (Variation ID: 2732414). Based on the evidence outlined above, the variant was classified as likely benign.

NM_006129.5(BMP1):c.2133C>T (p.Asn711=)

Gene: BMP1 (bone morphogenetic protein 1; plus strand). Cytogenetic location: 8p21.3.
Variant type: single nucleotide variant.
Coding change: c.2133C>T on transcript NM_006129.5 (MANE Select); coding-DNA position 2133, C replaced by T.
Protein change: p.Asn711=; no amino-acid change (asparagine 711 retained).
Molecular consequence: synonymous variant. On other transcripts: non-coding transcript variant (1).
Genome position (GRCh38, 1-based): chr8:22,201,828, C>T. VCF-style: chr8-22201828-C-T. GRCh37 (hg19) VCF-style: chr8-22059341-C-T.
Identifiers: ClinVar variation 2732414 (VCV002732414.4), dbSNP rs145320714, ClinGen allele CA4665132.